The following is an entry in ClinVar:

ClinVar aggregate classification (germline): Uncertain significance (1 of 4 stars; one submission).

Conditions:
Charcot-Marie-Tooth disease axonal type 2O. Also called: Charcot-Marie-Tooth disease, axonal, type 20; CHARCOT-MARIE-TOOTH NEUROPATHY, AXONAL, TYPE 2O; CHARCOT-MARIE-TOOTH DISEASE, AXONAL, AUTOSOMAL DOMINANT, TYPE 2O; Charcot-Marie-Tooth Neuropathy Type 2O. Identifiers: Orphanet 284232, MedGen C3280220, MONDO:0013644, OMIM 614228.

Submission:

Labcorp Genetics (formerly Invitae), Labcorp
Classification: Uncertain significance for Charcot-Marie-Tooth disease axonal type 2O. Last evaluated: 2019-06-18. Review status: criteria provided, single submitter. Criteria: Invitae Variant Classification Sherloc (09022015). Collection method: clinical testing. Allele origin: germline.
Comment: In summary, the available evidence is currently insufficient to determine the role of this variant in disease. Therefore, it has been classified as a Variant of Uncertain Significance. Algorithms developed to predict the effect of missense changes on protein structure and function are either unavailable or do not agree on the potential impact of this missense change (SIFT: "Deleterious"; PolyPhen-2: "Benign"; Align-GVGD: "Class C55"). This variant has not been reported in the literature in individuals with DYNC1H1-related conditions. This variant is not present in population databases (ExAC no frequency). This sequence change replaces glutamic acid with lysine at codon 1034 of the DYNC1H1 protein (p.Glu1034Lys). The glutamic acid residue is highly conserved and there is a small physicochemical difference between glutamic acid and lysine.

NM_001376.5(DYNC1H1):c.3100G>A (p.Glu1034Lys)

Gene: DYNC1H1 (dynein cytoplasmic 1 heavy chain 1; plus strand). Cytogenetic location: 14q32.31.
Variant type: single nucleotide variant.
Coding change: c.3100G>A on transcript NM_001376.5 (MANE Select); coding-DNA position 3100, G replaced by A.
Protein change: p.Glu1034Lys; replaces glutamic acid 1034 with lysine.
Molecular consequence: missense variant.
Genome position (GRCh38, 1-based): chr14:101,994,268, G>A. VCF-style: chr14-101994268-G-A. GRCh37 (hg19) VCF-style: chr14-102460605-G-A.
Other names: short protein forms E1034K.
Identifiers: ClinVar variation 947109 (VCV000947109.9), dbSNP rs2048031969, ClinGen allele CA391032357.